The following is an entry in ClinVar:

ClinVar aggregate classification (germline): Conflicting classifications of pathogenicity. Review status: criteria provided, conflicting classifications (1 of 4 stars). 11 submissions from 11 submitters: Uncertain significance (2); Benign (4); Likely benign (5). Last evaluated 2026-01-28.

Conditions:
Cardiovascular phenotype. Identifiers: MedGen CN230736.
Dilated cardiomyopathy 3B (CMD3B). Also called: CMD3B: DMD-Related Dilated Cardiomyopathy; CARDIOMYOPATHY, DILATED, X-LINKED; DMD-Associated Dilated Cardiomyopathy. Identifiers: Orphanet 154, MedGen C3668940, MONDO:0010542, OMIM 302045.
Duchenne muscular dystrophy (DMD). Also called: MUSCULAR DYSTROPHY, PSEUDOHYPERTROPHIC PROGRESSIVE, DUCHENNE TYPE; Duchenne Muscular Dystrophy (DMD). Identifiers: Orphanet 98896, MedGen C0013264, MONDO:0010679, OMIM 310200.

Allele frequency attached by ClinVar (database versions not stated): TOPMed 0.00012; ExAC 0.00024; gnomAD 0.00064.
gnomAD v4.1: 225 of 1,198,708 alleles (0.019%); highest among the groups gnomAD compares: Non-Finnish European, 0.016%; no homozygotes.

Submissions (11):

Labcorp Genetics (formerly Invitae), Labcorp
Classification: Benign for Duchenne muscular dystrophy. Last evaluated: 2026-01-28. Review status: criteria provided, single submitter. Criteria: Invitae Variant Classification Sherloc (09022015). Collection method: clinical testing. Allele origin: germline.

Laboratory of Genetics, Children's Clinical University Hospital Latvia
Classification: Likely benign. Last evaluated: 2025-02-16. Review status: criteria provided, single submitter. Criteria: ACMG Guidelines, 2015. Collection method: clinical testing. Allele origin: germline. Affected: yes.

Blueprint Genetics
Classification: Benign. Last evaluated: 2024-11-28. Review status: criteria provided, single submitter. Criteria: ACMG Guidelines, 2015. Collection method: clinical testing. Allele origin: germline.

Athena Diagnostics
Classification: Likely benign. Last evaluated: 2024-05-23. Review status: criteria provided, single submitter. Criteria: Athena Diagnostics Criteria. Collection method: clinical testing. Allele origin: unknown.

Revvity Omics, Revvity
Classification: Likely benign. Last evaluated: 2023-09-07. Review status: criteria provided, single submitter. Criteria: ACMG Guidelines, 2015. Collection method: clinical testing. Allele origin: germline.

CeGaT Center for Human Genetics Tuebingen
Classification: Likely benign. Last evaluated: 2023-01-01. Review status: criteria provided, single submitter. Criteria: CeGaT Center For Human Genetics Tuebingen Variant Classification Criteria Version 2. Collection method: clinical testing. Allele origin: germline. Affected: yes. Observed: 2 variant alleles.
Comment: DMD: BS2

GeneDx
Classification: Likely benign. Last evaluated: 2020-02-19. Review status: criteria provided, single submitter. Criteria: GeneDx Variant Classification Process June 2021. Collection method: clinical testing. Allele origin: germline. Affected: yes.

ARUP Laboratories, Molecular Genetics and Genomics, ARUP Laboratories
Classification: Uncertain significance. Last evaluated: 2019-11-04. Review status: criteria provided, single submitter. Criteria: ARUP Molecular Germline Variant Investigation Process. Collection method: clinical testing. Allele origin: germline.
Comment: The DMD c.3326A>T; p.Asn1109Ile variant (rs200596739), to our knowledge, is not reported in the medical literature but is reported in ClinVar (Variation ID: 201760). This variant is found in the general population with an overall allele frequency of 0.02% (48/183570 alleles, including 11 hemizygotes) in the Genome Aggregation Database. The asparagine at codon 1109 is highly conserved, but computational analyses (SIFT: tolerated, PolyPhen-2: damaging) predict conflicting effects of this variant on protein structure/function. However, due to limited information, the clinical significance of the p.Asn1109Ile variant is uncertain at this time.

Ambry Genetics
Classification: Benign for Cardiovascular phenotype. Last evaluated: 2018-12-21. Review status: criteria provided, single submitter. Criteria: Ambry Variant Classification Scheme 2023. Collection method: clinical testing. Allele origin: germline.

Laboratory for Molecular Medicine, Mass General Brigham Personalized Medicine
Classification: Benign. Last evaluated: 2018-10-10. Review status: criteria provided, single submitter. Criteria: LMM Criteria. Collection method: clinical testing. Allele origin: germline. Observed: 1 variant allele.
Comment: The p.Asn1109Ile variant in DMD is classified as benign because it has been iden tified in 0.13% (23/17581) of Finnish chromosomes and 12 homozygotes by gnomAD. ACMG/AMP Criteria applied: BA1.

Illumina Laboratory Services, Illumina
Classification: Uncertain significance for Dilated cardiomyopathy 3B. Last evaluated: 2017-04-27. Review status: criteria provided, single submitter. Criteria: ICSL Variant Classification Criteria 13 December 2019. Collection method: clinical testing. Allele origin: germline.

Literature cited by the submitters: PubMed 29970176 (cited by Athena Diagnostics); PubMed 30775854 (cited by Athena Diagnostics).

NM_004006.3(DMD):c.3326A>T (p.Asn1109Ile)

Gene: DMD (dystrophin; minus strand). Cytogenetic location: Xp21.1.
Variant type: single nucleotide variant.
Coding change: c.3326A>T on transcript NM_004006.3 (MANE Select); coding-DNA position 3326, A replaced by T.
Protein change: p.Asn1109Ile; replaces asparagine 1109 with isoleucine.
Molecular consequence: missense variant.
Genome position (GRCh38, 1-based): chrX:32,463,545, T>A on the plus strand (A>T on the coding strand, the complement: DMD is on the minus strand). VCF-style: chrX-32463545-T-A. GRCh37 (hg19) VCF-style: chrX-32481662-T-A.
Other names: p.N1109I:AAT>ATT; c.3302A>T, p.Asn1101Ile (NM_000109.4); c.3314A>T, p.Asn1105Ile (NM_004009.3); c.2957A>T, p.Asn986Ile (NM_004010.3); short protein forms N1109I, N1101I, N986I, N1105I.
Identifiers: ClinVar variation 201760 (VCV000201760.74), dbSNP rs200596739, ClinGen allele CA308423.